The following is an entry in ClinVar:

ClinVar aggregate classification (germline): Uncertain significance. Review status: criteria provided, multiple submitters, no conflicts (2 of 4 stars). 2 submissions from 2 submitters: Uncertain significance (2). Last evaluated 2024-09-09.

Conditions:
Ataxia-telangiectasia syndrome (AT). Also called: LOUIS-BAR SYNDROME; Cerebello-oculocutaneous telangiectasia; Immunodeficiency with ataxia telangiectasia; Ataxia telangiectasia (A-T); Ataxia-telangiectasia, complementation group D; AT, COMPLEMENTATION GROUP C. Identifiers: Orphanet 100, MedGen C0004135, MONDO:0008840, OMIM 208900.
Hereditary cancer-predisposing syndrome. Also called: Tumor predisposition; Neoplastic Syndromes, Hereditary; Hereditary Cancer Syndrome; Hereditary neoplastic syndrome. Identifiers: Orphanet 140162, MedGen C0027672, MeSH D009386, MONDO:0015356.

Submissions (2):

Labcorp Genetics (formerly Invitae), Labcorp
Classification: Uncertain significance for Ataxia-telangiectasia syndrome. Last evaluated: 2024-09-09. Review status: criteria provided, single submitter. Criteria: Invitae Variant Classification Sherloc (09022015). Collection method: clinical testing. Allele origin: germline.
Comment: This sequence change replaces phenylalanine, which is neutral and non-polar, with valine, which is neutral and non-polar, at codon 2410 of the ATM protein (p.Phe2410Val). This variant is not present in population databases (gnomAD no frequency). This variant has not been reported in the literature in individuals affected with ATM-related conditions. An algorithm developed to predict the effect of missense changes on protein structure and function (PolyPhen-2) suggests that this variant is likely to be disruptive. In summary, the available evidence is currently insufficient to determine the role of this variant in disease. Therefore, it has been classified as a Variant of Uncertain Significance.

Ambry Genetics
Classification: Uncertain significance for Hereditary cancer-predisposing syndrome. Last evaluated: 2024-01-16. Review status: criteria provided, single submitter. Criteria: Ambry Variant Classification Scheme 2023. Collection method: clinical testing. Allele origin: germline.
Comment: The p.F2410V variant (also known as c.7228T>G), located in coding exon 48 of the ATM gene, results from a T to G substitution at nucleotide position 7228. The phenylalanine at codon 2410 is replaced by valine, an amino acid with highly similar properties. This amino acid position is conserved. In addition, this alteration is predicted to be deleterious by in silico analysis. Since supporting evidence is limited at this time, the clinical significance of this alteration remains unclear.

NM_000051.4(ATM):c.7228T>G (p.Phe2410Val)

Genes: ATM (ATM serine/threonine kinase; plus strand), C11orf65 (chromosome 11 open reading frame 65; minus strand). Cytogenetic location: 11q22.3.
Variant type: single nucleotide variant.
Coding change: c.7228T>G on transcript NM_000051.4 (MANE Select); coding-DNA position 7228, T replaced by G.
Protein change: p.Phe2410Val; replaces phenylalanine 2410 with valine.
Molecular consequence: missense variant. On other transcripts: intron variant (2).
Genome position (GRCh38, 1-based): chr11:108,329,159, T>G. VCF-style: chr11-108329159-T-G. GRCh37 (hg19) VCF-style: chr11-108199886-T-G.
Other names: c.7228T>G, p.Phe2410Val (NM_001351834.2); c.641-20088A>C (NM_001330368.2); c.*38+6061A>C (NM_001351110.2); short protein forms F2410V.
Identifiers: ClinVar variation 2754325 (VCV002754325.4), dbSNP rs193302874, ClinGen allele CA382559676.
Genomic context (GRCh38, chr11:108,329,159, plus strand): 5'-TTAGCCCGGTTTTCAGATACTCAATACCAAAGAATTGAAAACTACATGAAATCATCGGAA[T>G]TTGAAAACAAGCAAGCTCTCCTGAAAAGAGCCAAAGAGGAAGTAGGTCTCCTTAGGGAAC-3'
Protein context (NP_000042.3, residues 2400-2420): RIENYMKSSE[Phe2410Val]ENKQALLKRA